The following is an entry in ClinVar:

ClinVar aggregate classification (germline): Uncertain significance (1 of 4 stars; one submission).

Conditions:
Cohen syndrome (COH1). Also called: PEPPER SYNDROME; Cutis verticis gyrata, retinitis pigmentosa, and sensorineural deafness. Identifiers: Orphanet 193, MedGen C0265223, MONDO:0008999, OMIM 216550.

Allele frequency attached by ClinVar (database versions not stated): TOPMed below 0.00001.

Submission:

Labcorp Genetics (formerly Invitae), Labcorp
Classification: Uncertain significance for Cohen syndrome. Last evaluated: 2021-09-15. Review status: criteria provided, single submitter. Criteria: Invitae Variant Classification Sherloc (09022015). Collection method: clinical testing. Allele origin: germline.
Comment: In summary, the available evidence is currently insufficient to determine the role of this variant in disease. Therefore, it has been classified as a Variant of Uncertain Significance. Algorithms developed to predict the effect of missense changes on protein structure and function are either unavailable or do not agree on the potential impact of this missense change (SIFT: "Not Available"; PolyPhen-2: "Possibly Damaging"; Align-GVGD: "Not Available"). This variant has not been reported in the literature in individuals affected with VPS13B-related conditions. This variant is not present in population databases (ExAC no frequency). This sequence change replaces histidine with arginine at codon 1922 of the VPS13B protein (p.His1922Arg). The histidine residue is moderately conserved and there is a small physicochemical difference between histidine and arginine.

NM_152564.5(VPS13B):c.5690A>G (p.His1897Arg)

Gene: VPS13B (vacuolar protein sorting 13 homolog B; plus strand). Cytogenetic location: 8q22.2.
Variant type: single nucleotide variant.
Coding change: c.5690A>G on transcript NM_152564.5 (MANE Select); coding-DNA position 5690, A replaced by G.
Protein change: p.His1897Arg; replaces histidine 1897 with arginine.
Molecular consequence: missense variant.
Genome position (GRCh38, 1-based): chr8:99,642,280, A>G. VCF-style: chr8-99642280-A-G. GRCh37 (hg19) VCF-style: chr8-100654508-A-G.
Other names: c.5765A>G, p.His1922Arg (NM_017890.5); short protein forms H1897R, H1922R.
Identifiers: ClinVar variation 1438077 (VCV001438077.6), dbSNP rs1329528398, ClinGen allele CA371873105.